The following is an entry in ClinVar:

ClinVar aggregate classification (germline): Uncertain significance (1 of 4 stars; one submission).

Submission:

CeGaT Center for Human Genetics Tuebingen
Classification: Uncertain significance. Last evaluated: 2024-06-01. Review status: criteria provided, single submitter. Criteria: CeGaT Center For Human Genetics Tuebingen Variant Classification Criteria Version 2. Collection method: clinical testing. Allele origin: germline. Affected: yes. Observed: 1 variant allele.
Comment: ARFGEF1: PM2, PS4:Supporting

NM_006421.5(ARFGEF1):c.1267G>T (p.Ala423Ser)

Gene: ARFGEF1 (ARF guanine nucleotide exchange factor 1; minus strand). Cytogenetic location: 8q13.2.
Variant type: single nucleotide variant.
Coding change: c.1267G>T on transcript NM_006421.5 (MANE Select); coding-DNA position 1267, G replaced by T.
Protein change: p.Ala423Ser; replaces alanine 423 with serine.
Molecular consequence: missense variant. On other transcripts: non-coding transcript variant (1), intron variant (1).
Genome position (GRCh38, 1-based): chr8:67,276,046, C>A on the plus strand (G>T on the coding strand, the complement: ARFGEF1 is on the minus strand). VCF-style: chr8-67276046-C-A. GRCh37 (hg19) VCF-style: chr8-68188281-C-A.
Other names: c.1267G>T, p.Ala423Ser (NM_001413184.1, NM_001413185.1, NM_001413186.1 and 7 more transcripts); c.667G>T, p.Ala223Ser (NM_001413188.1, NM_001413193.1, NM_001413197.1); c.-88-4110G>T (NM_001413196.1); short protein forms A223S, A423S.
Identifiers: ClinVar variation 3251071 (VCV003251071.18), dbSNP rs2491713971.